The following is an entry in ClinVar:

ClinVar aggregate classification (germline): Uncertain significance. Review status: criteria provided, multiple submitters, no conflicts (2 of 4 stars). 2 submissions from 2 submitters: Uncertain significance (2). Last evaluated 2023-12-14.

Conditions:
Inborn genetic diseases. Identifiers: MedGen C0950123, MeSH D030342.

Allele frequency attached by ClinVar (database versions not stated): gnomAD exomes 0.00001 and 0.00002; ExAC 0.00002; gnomAD 0.00007 and 0.00008; TOPMed 0.00008; ESP Exome Variant Server 0.00017.
gnomAD v4.1: 27 of 1,613,746 alleles (0.0017%); highest among the groups gnomAD compares: African/African-American, 0.029%; no homozygotes.

Submissions (2):

Ambry Genetics
Classification: Uncertain significance for Inborn genetic diseases. Last evaluated: 2023-12-14. Review status: criteria provided, single submitter. Criteria: Ambry Variant Classification Scheme 2023. Collection method: clinical testing. Allele origin: germline.

Labcorp Genetics (formerly Invitae), Labcorp
Classification: Uncertain significance. Last evaluated: 2022-07-11. Review status: criteria provided, single submitter. Criteria: Invitae Variant Classification Sherloc (09022015). Collection method: clinical testing. Allele origin: germline.
Comment: This sequence change replaces aspartic acid, which is acidic and polar, with tyrosine, which is neutral and polar, at codon 2341 of the PCLO protein (p.Asp2341Tyr). This variant is present in population databases (rs376170784, gnomAD 0.02%). This variant has not been reported in the literature in individuals affected with PCLO-related conditions. ClinVar contains an entry for this variant (Variation ID: 1415026). Algorithms developed to predict the effect of missense changes on protein structure and function are either unavailable or do not agree on the potential impact of this missense change (SIFT: "Tolerated"; PolyPhen-2: "Not Available"; Align-GVGD: "Class C0"). In summary, the available evidence is currently insufficient to determine the role of this variant in disease. Therefore, it has been classified as a Variant of Uncertain Significance.

NM_033026.6(PCLO):c.7021G>T (p.Asp2341Tyr)

Gene: PCLO (piccolo presynaptic cytomatrix protein; minus strand). Cytogenetic location: 7q21.11.
Variant type: single nucleotide variant.
Coding change: c.7021G>T on transcript NM_033026.6 (MANE Select); coding-DNA position 7021, G replaced by T.
Protein change: p.Asp2341Tyr; replaces aspartic acid 2341 with tyrosine.
Molecular consequence: missense variant.
Genome position (GRCh38, 1-based): chr7:82,953,932, C>A on the plus strand (G>T on the coding strand, the complement: PCLO is on the minus strand). VCF-style: chr7-82953932-C-A. GRCh37 (hg19) VCF-style: chr7-82583248-C-A.
Other names: c.7021G>T, p.Asp2341Tyr (NM_014510.3); c.7021G>T (NM_033026.5); short protein forms D2341Y.
Identifiers: ClinVar variation 1415026 (VCV001415026.6), dbSNP rs376170784, ClinGen allele CA4320367.